The following is an entry in ClinVar:

ClinVar aggregate classification (germline): Uncertain significance (1 of 4 stars; one submission).

Conditions:
Cohen syndrome (COH1). Also called: Cutis verticis gyrata, retinitis pigmentosa, and sensorineural deafness; PEPPER SYNDROME. Identifiers: Orphanet 193, MedGen C0265223, MONDO:0008999, OMIM 216550.

Allele frequency attached by ClinVar (database versions not stated): ExAC 0.00001; gnomAD exomes 0.00001.
gnomAD v4.1: 3 of 1,614,106 alleles (0.00019%); highest among the groups gnomAD compares: South Asian, 0.0033%; no homozygotes.

Submission:

Labcorp Genetics (formerly Invitae), Labcorp
Classification: Uncertain significance for Cohen syndrome. Last evaluated: 2021-09-21. Review status: criteria provided, single submitter. Criteria: Invitae Variant Classification Sherloc (09022015). Collection method: clinical testing. Allele origin: germline.
Comment: This sequence change replaces isoleucine with asparagine at codon 120 of the VPS13B protein (p.Ile120Asn). The isoleucine residue is weakly conserved and there is a large physicochemical difference between isoleucine and asparagine. This variant is present in population databases (rs763259028, ExAC 0.006%). This variant has not been reported in the literature in individuals with VPS13B-related conditions. Algorithms developed to predict the effect of missense changes on protein structure and function are either unavailable or do not agree on the potential impact of this missense change (SIFT: "Not Available"; PolyPhen-2: "Benign"; Align-GVGD: "Not Available"). In summary, the available evidence is currently insufficient to determine the role of this variant in disease. Therefore, it has been classified as a Variant of Uncertain Significance.

NM_152564.5(VPS13B):c.359T>A (p.Ile120Asn)

Gene: VPS13B (vacuolar protein sorting 13 homolog B; plus strand). Cytogenetic location: 8q22.2.
Variant type: single nucleotide variant.
Coding change: c.359T>A on transcript NM_152564.5 (MANE Select); coding-DNA position 359, T replaced by A.
Protein change: p.Ile120Asn; replaces isoleucine 120 with asparagine.
Molecular consequence: missense variant. On other transcripts: non-coding transcript variant (1).
Genome position (GRCh38, 1-based): chr8:99,096,379, T>A. VCF-style: chr8-99096379-T-A. GRCh37 (hg19) VCF-style: chr8-100108607-T-A.
Other names: c.359T>A, p.Ile120Asn (NM_015243.3, NM_017890.5, NM_181661.3); short protein forms I120N.
Identifiers: ClinVar variation 1346623 (VCV001346623.6), dbSNP rs763259028, ClinGen allele CA4822352.